The following is an entry in ClinVar:

NM_000384.3(APOB):c.2676G>A (p.Pro892=)

Gene: APOB (apolipoprotein B; minus strand). Cytogenetic location: 2p24.1.
Variant type: single nucleotide variant.
Coding change: c.2676G>A on transcript NM_000384.3 (MANE Select); coding-DNA position 2676, G replaced by A.
Protein change: p.Pro892=; no amino-acid change (proline 892 retained).
Molecular consequence: synonymous variant.
Genome position (GRCh38, 1-based): chr2:21,022,971, C>T on the plus strand (G>A on the coding strand, the complement: APOB is on the minus strand). VCF-style: chr2-21022971-C-T. GRCh37 (hg19) VCF-style: chr2-21245843-C-T.
Identifiers: ClinVar variation 1163201 (VCV001163201.13), dbSNP rs759072451, ClinGen allele CA057001.

ClinVar aggregate classification (germline): Conflicting classifications of pathogenicity. Review status: criteria provided, conflicting classifications (1 of 4 stars). 5 submissions from 5 submitters: Uncertain significance (2); Likely benign (3). Last evaluated 2024-06-11.

Conditions:
Cardiovascular phenotype. Identifiers: MedGen CN230736.
Familial hypobetalipoproteinemia 1. Also called: Acanthocytosis with hypobetalipoproteinemia; APOB-Related Familial Hypobetalipoproteinemia; Hypobetalipoproteinemia, normotriglyceridemic. Identifiers: MedGen C4551990, MONDO:0014252, OMIM 615558.
Hypercholesterolemia, autosomal dominant, type B (FHCL2). Also called: APOLIPOPROTEIN B-100, FAMILIAL DEFECTIVE; APOLIPOPROTEIN B-100, FAMILIAL LIGAND-DEFECTIVE; Familial hypercholesterolemia 2; APOB-Related Familial Hypercholesterolemia, Autosomal Dominant; HYPERCHOLESTEROLEMIA, FAMILIAL, DUE TO LIGAND-DEFECTIVE APOLIPOPROTEIN B; Familial Hypercholesterolemia Type B. Identifiers: MedGen C1704417, MONDO:0007751, OMIM 144010.
Familial hypercholesterolemia. Also called: Familial hypercholesterolemias; Familial hypercholesterolaemia. Identifiers: MedGen C0020445, MONDO:0005439.

Allele frequency attached by ClinVar (database versions not stated): gnomAD 0.00001; ExAC 0.00002; gnomAD exomes 0.00002; TOPMed 0.00003.
gnomAD v4.1: 24 of 1,614,020 alleles (0.0015%); highest among the groups gnomAD compares: African/African-American, 0.0067%; no homozygotes.

Submissions (5):

Labcorp Genetics (formerly Invitae), Labcorp
Classification: Likely benign for Familial hypobetalipoproteinemia 1; Hypercholesterolemia, autosomal dominant, type B. Last evaluated: 2024-06-11. Review status: criteria provided, single submitter. Criteria: Invitae Variant Classification Sherloc (09022015). Collection method: clinical testing. Allele origin: germline.

GENinCode PLC
Classification: Likely benign for Familial hypercholesterolemia. Last evaluated: 2023-12-06. Review status: criteria provided, single submitter. Criteria: ACMG Guidelines, 2015. Collection method: clinical testing. Allele origin: germline.
Comment: This is a synonymous (silent) variant that is not predicted by SpliceAI to impact splicing. In addition, it occurs at a nucleotide that is not conserved. Therefore this variant has been classified as Likely Benign (BP4, BP7).

Fulgent Genetics
Classification: Uncertain significance for Hypercholesterolemia, autosomal dominant, type B; Familial hypobetalipoproteinemia 1. Last evaluated: 2021-08-30. Review status: criteria provided, single submitter. Criteria: ACMG Guidelines, 2015. Collection method: clinical testing. Allele origin: unknown.

Ambry Genetics
Classification: Likely benign for Cardiovascular phenotype. Last evaluated: 2020-12-07. Review status: criteria provided, single submitter. Criteria: Ambry Variant Classification Scheme 2023. Collection method: clinical testing. Allele origin: germline.

Mayo Clinic Laboratories, Mayo Clinic
Classification: Uncertain significance. Last evaluated: 2019-04-15. Review status: criteria provided, single submitter. Criteria: ACMG Guidelines, 2015. Collection method: clinical testing. Allele origin: germline. Observed: 1 variant allele.